The following is an entry in ClinVar:

NM_000179.3(MSH6):c.3986C>A (p.Ser1329Ter)

Gene: MSH6 (mutS homolog 6; plus strand). Cytogenetic location: 2p16.3.
Variant type: single nucleotide variant.
Coding change: c.3986C>A on transcript NM_000179.3 (MANE Select); coding-DNA position 3986, C replaced by A.
Protein change: p.Ser1329Ter; replaces serine 1329 with a stop codon.
Molecular consequence: nonsense. On other transcripts: 3 prime UTR variant (1), non-coding transcript variant (5), intron variant (1).
Genome position (GRCh38, 1-based): chr2:47,806,636, C>A. VCF-style: chr2-47806636-C-A. GRCh37 (hg19) VCF-style: chr2-48033775-C-A.
Other names: c.3596C>A, p.Ser1199Ter (NM_001281492.2); c.3080C>A, p.Ser1027Ter (NM_001281493.2, NM_001281494.2, NM_001406811.1 and 6 more transcripts); c.4082C>A, p.Ser1361Ter (NM_001406795.1); c.3986C>A, p.Ser1329Ter (NM_001406796.1, NM_001406808.1, NM_001406809.1); c.3689C>A, p.Ser1230Ter (NM_001406797.1, NM_001406801.1, NM_001406805.1 and 10 more transcripts); c.3812C>A, p.Ser1271Ter (NM_001406798.1); c.3461C>A, p.Ser1154Ter (NM_001406799.1, NM_001406806.1, NM_001406807.1); c.*7C>A (NM_001406800.1); and 9 more; short protein forms S1027*, S1041*, S1154*, S1199*, S1230*, S1271*, S1273*, S1303*.
Identifiers: ClinVar variation 2676821 (VCV002676821.3), dbSNP rs199594809, ClinGen allele CA346761588.
Genomic context (GRCh38, chr2:47,806,636, plus strand): 5'-CAGAGGAAGTTATTCAAAAGGGACATAGAAAAGCAAGAGAATTTGAGAAGATGAATCAGT[C>A]ACTACGATTATTTCGGTAACTAACTAACTATAATGGAATTATAACTAACTGACCTTAAGT-3'

ClinVar aggregate classification (germline): Pathogenic/Likely pathogenic. Review status: criteria provided, multiple submitters, no conflicts (2 of 4 stars). 3 submissions from 3 submitters: Pathogenic (1); Likely pathogenic (2). Last evaluated 2025-07-30.

Conditions:
Hereditary cancer-predisposing syndrome. Also called: Neoplastic Syndromes, Hereditary; Tumor predisposition; Hereditary Cancer Syndrome; Hereditary neoplastic syndrome. Identifiers: Orphanet 140162, MedGen C0027672, MeSH D009386, MONDO:0015356.
Hereditary nonpolyposis colorectal neoplasms. Identifiers: MedGen C0009405, MeSH D003123.
Endometrial carcinoma. Also called: Endometrial carcinoma, somatic. Identifiers: MedGen C0476089, MONDO:0002447, OMIM 608089, HP:0012114.

Submissions (3):

Ambry Genetics
Classification: Likely pathogenic for Hereditary cancer-predisposing syndrome. Last evaluated: 2025-07-30. Review status: criteria provided, single submitter. Criteria: Ambry Variant Classification Scheme 2023. Collection method: clinical testing. Allele origin: germline.
Comment: The p.S1329* variant (also known as c.3986C>A), located in coding exon 9 of the MSH6 gene, results from a C to A substitution at nucleotide position 3986. This changes the amino acid from a serine to a stop codon within coding exon 9. This alteration occurs at the 3' terminus of theMSH6 gene, is not expected to trigger nonsense-mediated mRNA decay, and impacts the last 2.4% of the protein. However, premature stop codons are typically deleterious in nature and the impacted region is critical for protein function (Ambry internal data). This variant is considered to be rare based on population cohorts in the Genome Aggregation Database (gnomAD). Based on the majority of available evidence to date, this variant is likely to be pathogenic.

Labcorp Genetics (formerly Invitae), Labcorp
Classification: Pathogenic for Hereditary nonpolyposis colorectal neoplasms. Last evaluated: 2025-06-30. Review status: criteria provided, single submitter. Criteria: Invitae Variant Classification Sherloc (09022015). Collection method: clinical testing. Allele origin: germline.
Comment: This sequence change creates a premature translational stop signal (p.Ser1329*) in the MSH6 gene. While this is not anticipated to result in nonsense mediated decay, it is expected to disrupt the last 32 amino acid(s) of the MSH6 protein. This variant is not present in population databases (gnomAD no frequency). This variant has not been reported in the literature in individuals affected with MSH6-related conditions. ClinVar contains an entry for this variant (Variation ID: 2676821). This variant disrupts a region of the MSH6 protein in which other variant(s) (p.Arg1331*) have been determined to be pathogenic (PMID: 16034045, 18301448, 20587412, 21056691, 21642682, 27601186). This suggests that this is a clinically significant region of the protein, and that variants that disrupt it are likely to be disease-causing. For these reasons, this variant has been classified as Pathogenic.

Baylor Genetics
Classification: Likely pathogenic for Endometrial carcinoma. Last evaluated: 2023-02-07. Review status: criteria provided, single submitter. Criteria: ACMG Guidelines, 2015. Collection method: clinical testing. Allele origin: unknown.

Literature cited by the submitters: PubMed 16034045 (cited by Labcorp Genetics (formerly Invitae), Labcorp); PubMed 18301448 (cited by Labcorp Genetics (formerly Invitae), Labcorp); PubMed 20587412 (cited by Labcorp Genetics (formerly Invitae), Labcorp); PubMed 21056691 (cited by Labcorp Genetics (formerly Invitae), Labcorp); PubMed 21642682 (cited by Labcorp Genetics (formerly Invitae), Labcorp); PubMed 27601186 (cited by Labcorp Genetics (formerly Invitae), Labcorp).